The following is an entry in ClinVar:

NM_012281.3(KCND2):c.58A>G (p.Met20Val)

Gene: KCND2 (potassium voltage-gated channel subfamily D member 2; plus strand). Cytogenetic location: 7q31.31.
Variant type: single nucleotide variant.
Coding change: c.58A>G on transcript NM_012281.3 (MANE Select); coding-DNA position 58, A replaced by G.
Protein change: p.Met20Val; replaces methionine 20 with valine.
Molecular consequence: missense variant.
Genome position (GRCh38, 1-based): chr7:120,274,690, A>G. VCF-style: chr7-120274690-A-G. GRCh37 (hg19) VCF-style: chr7-119914744-A-G.
Other names: short protein forms M20V.
Identifiers: ClinVar variation 4709927 (VCV004709927.1).

ClinVar aggregate classification (germline): Uncertain significance (1 of 4 stars; one submission).

Conditions:
Early Myoclonic Encephalopathy. Identifiers: MedGen C0270855.

Submission:

Labcorp Genetics (formerly Invitae), Labcorp
Classification: Uncertain significance for Early Myoclonic Encephalopathy. Last evaluated: 2026-01-26. Review status: criteria provided, single submitter. Criteria: Invitae Variant Classification Sherloc (09022015). Collection method: clinical testing. Allele origin: germline.
Comment: This sequence change replaces methionine, which is neutral and non-polar, with valine, which is neutral and non-polar, at codon 20 of the KCND2 protein (p.Met20Val). This variant is not present in population databases (gnomAD no frequency). This variant has not been reported in the literature in individuals affected with KCND2-related conditions. Invitae Evidence Modeling of protein sequence and biophysical properties (such as structural, functional, and spatial information, amino acid conservation, physicochemical variation, residue mobility, and thermodynamic stability) indicates that this missense variant is not expected to disrupt KCND2 protein function with a negative predictive value of 95%. In summary, the available evidence is currently insufficient to determine the role of this variant in disease. Therefore, it has been classified as a Variant of Uncertain Significance.